The following is an entry in ClinVar:

ClinVar aggregate classification (germline): Uncertain significance (1 of 4 stars; one submission).

Conditions:
Ellis-van Creveld syndrome (EVC). Also called: Chondroectodermal dysplasia; EVC-Related Ellis-van Creveld Syndrome; EVC2-Related Ellis-van Creveld Syndrome; MESOECTODERMAL DYSPLASIA. Identifiers: Orphanet 289, MedGen C0013903, MONDO:0009162, OMIM 225500.
Curry-Hall syndrome (WAD). Also called: WEYERS ACRODENTAL DYSOSTOSIS. Identifiers: Orphanet 952, MedGen C0457013, MONDO:0008673, OMIM 193530.

Allele frequency attached by ClinVar (database versions not stated): ExAC 0.00001; TOPMed 0.00002; gnomAD 0.00003.

Submission:

Labcorp Genetics (formerly Invitae), Labcorp
Classification: Uncertain significance for Curry-Hall syndrome; Ellis-van Creveld syndrome. Last evaluated: 2022-08-12. Review status: criteria provided, single submitter. Criteria: Invitae Variant Classification Sherloc (09022015). Collection method: clinical testing. Allele origin: germline.
Comment: This sequence change falls in intron 16 of the EVC gene. It does not directly change the encoded amino acid sequence of the EVC protein. It affects a nucleotide within the consensus splice site. This variant is present in population databases (rs765087806, gnomAD 0.009%). This variant has not been reported in the literature in individuals affected with EVC-related conditions. Variants that disrupt the consensus splice site are a relatively common cause of aberrant splicing (PMID: 17576681, 9536098). Algorithms developed to predict the effect of sequence changes on RNA splicing suggest that this variant is not likely to affect RNA splicing. In summary, the available evidence is currently insufficient to determine the role of this variant in disease. Therefore, it has been classified as a Variant of Uncertain Significance.

Literature cited by the submitters: PubMed 17576681; PubMed 9536098.

NM_153717.3(EVC):c.2449+5G>A

Gene: EVC (EvC ciliary complex subunit 1; plus strand). Cytogenetic location: 4p16.2.
Variant type: single nucleotide variant.
Coding change: c.2449+5G>A on transcript NM_153717.3 (MANE Select); 5 bases into the intron after coding-DNA position 2449, G replaced by A.
Molecular consequence: intron variant.
Genome position (GRCh38, 1-based): chr4:5,802,099, G>A. VCF-style: chr4-5802099-G-A. GRCh37 (hg19) VCF-style: chr4-5803826-G-A.
Other names: c.2449+5G>A (NM_001306090.2).
Identifiers: ClinVar variation 2146714 (VCV002146714.1), dbSNP rs765087806, ClinGen allele CA2836499.
Genomic context (GRCh38, chr4:5,802,099, plus strand): 5'-AAGGATCATGGAGGACCACGAGGAGAGAAAACTGCAGCACCTGAAGACCCTGCAGGGTAC[G>A]GGACCCCCCCTCAGGGAAGCCCCAGAAGAGACTGGCAATGTGTGCTTTTAGTTTGGGGCA-3'